The following is an entry in ClinVar:

ClinVar aggregate classification (germline): Pathogenic (1 of 4 stars; one submission).

Conditions:
Glycogen storage disease IXc (GSD9C). Also called: GSD IXc. Identifiers: Orphanet 264580, MedGen C2751643, MONDO:0013091, OMIM 613027.

Submission:

Labcorp Genetics (formerly Invitae), Labcorp
Classification: Pathogenic for Glycogen storage disease IXc. Last evaluated: 2022-08-11. Review status: criteria provided, single submitter. Criteria: Invitae Variant Classification Sherloc (09022015). Collection method: clinical testing. Allele origin: germline.
Comment: For these reasons, this variant has been classified as Pathogenic. Algorithms developed to predict the effect of sequence changes on RNA splicing suggest that this variant may disrupt the consensus splice site. This variant has been observed in individual(s) with clinical features of glycogen storage disease (Invitae). In at least one individual the data is consistent with being in trans (on the opposite chromosome) from a pathogenic variant. This variant is not present in population databases (gnomAD no frequency). This variant results in the deletion of part of exon 8 (c.648-2_648del) of the PHKG2 gene. It is expected to disrupt RNA splicing. Variants that disrupt the donor or acceptor splice site typically lead to a loss of protein function (PMID: 16199547), and loss-of-function variants in PHKG2 are known to be pathogenic (PMID: 8896567, 17689125, 21646031).

Literature cited by the submitters: PubMed 16199547; PubMed 8896567; PubMed 17689125; PubMed 21646031.

NM_000294.3(PHKG2):c.648-2_648del

Gene: PHKG2 (phosphorylase kinase catalytic subunit gamma 2; plus strand). Cytogenetic location: 16p11.2.
Variant type: Deletion.
Coding change: c.648-2_648del on transcript NM_000294.3 (MANE Select); the canonical splice acceptor site of the intron before coding-DNA position 648 through coding-DNA position 648, 3 bases deleted (AGC; older notation c.648-2_648delAGC).
Molecular consequence: splice acceptor variant.
Genome position (GRCh38, 1-based): chr16:30,756,365-30,756,367, AGC deleted; deleting any 3 consecutive bases within chr16:30,756,364-30,756,367 gives the same sequence; the c. name uses the placement nearest the transcript's 3' end. VCF-style (leftmost placement, unchanged base first): chr16-30756363-CCAG-C. GRCh37 (hg19) VCF-style: chr16-30767684-CCAG-C.
Other names: c.648-2_648del (NM_001172432.2).
Identifiers: ClinVar variation 2023569 (VCV002023569.4), dbSNP rs2543469765, ClinGen allele CA2580091494.